The following is an entry in ClinVar:

NM_002838.5(PTPRC):c.2101G>A (p.Gly701Arg)

Gene: PTPRC (protein tyrosine phosphatase receptor type C; plus strand). Cytogenetic location: 1q32.1.
Variant type: single nucleotide variant.
Coding change: c.2101G>A on transcript NM_002838.5 (MANE Select); coding-DNA position 2101, G replaced by A.
Protein change: p.Gly701Arg; replaces glycine 701 with arginine.
Molecular consequence: missense variant.
Genome position (GRCh38, 1-based): chr1:198,732,515, G>A. VCF-style: chr1-198732515-G-A. GRCh37 (hg19) VCF-style: chr1-198701644-G-A.
Other names: c.2095G>A (NM_002838.3); c.1618G>A, p.Gly540Arg (NM_080921.4); short protein forms G701R, G540R.
Identifiers: ClinVar variation 1920209 (VCV001920209.3), dbSNP rs1448955102, ClinGen allele CA344046023.

ClinVar aggregate classification (germline): Uncertain significance. Review status: criteria provided, multiple submitters, no conflicts (2 of 4 stars). 2 submissions from 2 submitters: Uncertain significance (2). Last evaluated 2025-08-26.

Conditions:
Inborn genetic diseases. Identifiers: MedGen C0950123, MeSH D030342.
Immunodeficiency 104. Also called: Severe combined immunodeficiency, autosomal recessive, T cell-negative, B cell-positive, NK cell-positive; IMMUNODEFICIENCY 104, SEVERE COMBINED; SCID, AUTOSOMAL RECESSIVE, T CELL-NEGATIVE, B CELL-POSITIVE, NK CELL-POSITIVE; Severe Combined Immune Deficiency, Autosomal Recessive, TCell -Negative, B Cell-Positive, NK Cell-Positive, IL7R-Related. Identifiers: MedGen C5676890, MONDO:0012163, OMIM 608971.

Allele frequency attached by ClinVar (database versions not stated): gnomAD 0.00001; gnomAD exomes 0.00001; TOPMed 0.00001.
gnomAD v4.1: 15 of 1,610,744 alleles (0.00093%); highest among the groups gnomAD compares: East Asian, 0.0067%; no homozygotes.

Submissions (2):

Ambry Genetics
Classification: Uncertain significance for Inborn genetic diseases. Last evaluated: 2025-08-26. Review status: criteria provided, single submitter. Criteria: Ambry Variant Classification Scheme 2023. Collection method: clinical testing. Allele origin: germline.

Labcorp Genetics (formerly Invitae), Labcorp
Classification: Uncertain significance for Immunodeficiency 104. Last evaluated: 2022-04-29. Review status: criteria provided, single submitter. Criteria: Invitae Variant Classification Sherloc (09022015). Collection method: clinical testing. Allele origin: germline.
Comment: This sequence change replaces glycine, which is neutral and non-polar, with arginine, which is basic and polar, at codon 701 of the PTPRC protein (p.Gly701Arg). This variant is present in population databases (no rsID available, gnomAD 0.01%). This variant has not been reported in the literature in individuals affected with PTPRC-related conditions. Algorithms developed to predict the effect of missense changes on protein structure and function are either unavailable or do not agree on the potential impact of this missense change (SIFT: "Deleterious"; PolyPhen-2: "Probably Damaging"; Align-GVGD: "Class C15"). In summary, the available evidence is currently insufficient to determine the role of this variant in disease. Therefore, it has been classified as a Variant of Uncertain Significance.